The following is an entry in ClinVar:

NM_000079.4(CHRNA1):c.1291C>A (p.Leu431Ile)

Gene: CHRNA1 (cholinergic receptor nicotinic alpha 1 subunit; minus strand). Cytogenetic location: 2q31.1.
Variant type: single nucleotide variant.
Coding change: c.1291C>A on transcript NM_000079.4 (MANE Select); coding-DNA position 1291, C replaced by A.
Protein change: p.Leu431Ile; replaces leucine 431 with isoleucine.
Molecular consequence: missense variant.
Genome position (GRCh38, 1-based): chr2:174,748,207, G>T on the plus strand (C>A on the coding strand, the complement: CHRNA1 is on the minus strand). VCF-style: chr2-174748207-G-T. GRCh37 (hg19) VCF-style: chr2-175612935-G-T.
Other names: c.1366C>A, p.Leu456Ile (NM_001039523.3); short protein forms L456I, L431I.
Identifiers: ClinVar variation 3661780 (VCV003661780.2).

ClinVar aggregate classification (germline): Uncertain significance (1 of 4 stars; one submission).

Conditions:
Lethal multiple pterygium syndrome (LMPS). Identifiers: Orphanet 33108, MedGen C1854678, MONDO:0009668, OMIM 253290.

Submission:

Labcorp Genetics (formerly Invitae), Labcorp
Classification: Uncertain significance for Lethal multiple pterygium syndrome. Last evaluated: 2024-08-15. Review status: criteria provided, single submitter. Criteria: Invitae Variant Classification Sherloc (09022015). Collection method: clinical testing. Allele origin: germline.
Comment: This sequence change replaces leucine, which is neutral and non-polar, with isoleucine, which is neutral and non-polar, at codon 431 of the CHRNA1 protein (p.Leu431Ile). This variant is not present in population databases (gnomAD no frequency). This variant has not been reported in the literature in individuals affected with CHRNA1-related conditions. Invitae Evidence Modeling of protein sequence and biophysical properties (such as structural, functional, and spatial information, amino acid conservation, physicochemical variation, residue mobility, and thermodynamic stability) has been performed for this missense variant. However, the output from this modeling did not meet the statistical confidence thresholds required to predict the impact of this variant on CHRNA1 protein function. In summary, the available evidence is currently insufficient to determine the role of this variant in disease. Therefore, it has been classified as a Variant of Uncertain Significance.